The following is an entry in ClinVar:

NM_004656.4(BAP1):c.1731G>T (p.Glu577Asp)

Gene: BAP1 (BRCA1 associated deubiquitinase 1; minus strand). Cytogenetic location: 3p21.1.
Variant type: single nucleotide variant.
Coding change: c.1731G>T on transcript NM_004656.4 (MANE Select); coding-DNA position 1731, G replaced by T.
Protein change: p.Glu577Asp; replaces glutamic acid 577 with aspartic acid.
Molecular consequence: missense variant.
Genome position (GRCh38, 1-based): chr3:52,403,297, C>A on the plus strand (G>T on the coding strand, the complement: BAP1 is on the minus strand). VCF-style: chr3-52403297-C-A. GRCh37 (hg19) VCF-style: chr3-52437313-C-A.
Other names: c.1731G>T (NM_004656.2); short protein forms E577D.
Identifiers: ClinVar variation 922629 (VCV000922629.3), dbSNP rs1705029620, ClinGen allele CA353099367.

ClinVar aggregate classification (germline): Uncertain significance. Review status: criteria provided, multiple submitters, no conflicts (2 of 4 stars). 2 submissions from 2 submitters: Uncertain significance (2). Last evaluated 2025-10-05.

Conditions:
Hereditary cancer-predisposing syndrome. Also called: Neoplastic Syndromes, Hereditary; Tumor predisposition; Hereditary Cancer Syndrome; Hereditary neoplastic syndrome. Identifiers: Orphanet 140162, MedGen C0027672, MeSH D009386, MONDO:0015356.

Submissions (2):

Ambry Genetics
Classification: Uncertain significance for Hereditary cancer-predisposing syndrome. Last evaluated: 2025-10-05. Review status: criteria provided, single submitter. Criteria: Ambry Variant Classification Scheme 2023. Collection method: clinical testing. Allele origin: germline.
Comment: The p.E577D variant (also known as c.1731G>T), located in coding exon 14 of the BAP1 gene, results from a G to T substitution at nucleotide position 1731. The glutamic acid at codon 577 is replaced by aspartic acid, an amino acid with highly similar properties. This amino acid position is conserved. In addition, this alteration is predicted to be tolerated by in silico analysis. Based on the available evidence, the clinical significance of this variant remains unclear.

Color Diagnostics, LLC DBA Color Health
Classification: Uncertain significance for Hereditary cancer-predisposing syndrome. Last evaluated: 2019-06-26. Review status: criteria provided, single submitter. Criteria: ACMG Guidelines, 2015. Collection method: clinical testing. Allele origin: germline.